The following is an entry in ClinVar:

NM_000179.3(MSH6):c.457+31T>G

Gene: MSH6 (mutS homolog 6; plus strand). Cytogenetic location: 2p16.3.
Variant type: single nucleotide variant.
Coding change: c.457+31T>G on transcript NM_000179.3 (MANE Select); 31 bases into the intron after coding-DNA position 457, T replaced by G.
Molecular consequence: intron variant.
Genome position (GRCh38, 1-based): chr2:47,791,154, T>G. VCF-style: chr2-47791154-T-G. GRCh37 (hg19) VCF-style: chr2-48018293-T-G.
Other names: c.-280+31T>G (NM_001281493.2); c.238-7457T>G (NM_001281492.2); c.-446+31T>G (NM_001281494.2).
Identifiers: ClinVar variation 1692265 (VCV001692265.5), dbSNP rs574391322, ClinGen allele CA1649437.

ClinVar aggregate classification (germline): Conflicting classifications of pathogenicity. Review status: criteria provided, conflicting classifications (1 of 4 stars). 4 submissions from 4 submitters: Uncertain significance (1); Likely benign (2). 1 of the submissions does not count toward it. Last evaluated 2025-03-04.

Conditions:
Hereditary cancer-predisposing syndrome. Also called: Hereditary neoplastic syndrome; Hereditary Cancer Syndrome; Tumor predisposition; Neoplastic Syndromes, Hereditary. Identifiers: Orphanet 140162, MedGen C0027672, MeSH D009386, MONDO:0015356.
MSH6-related disorder. Also called: MSH6-related condition; MSH6-Related disorders.

Allele frequency attached by ClinVar (database versions not stated): gnomAD 0.00002 and 0.00009; gnomAD exomes 0.00012; ExAC 0.00039; 1000 Genomes Project 0.02756.

Submissions (4):

Center for Genomic Medicine, Rigshospitalet, Copenhagen University Hospital
Classification: Likely benign. Last evaluated: 2025-03-04. Review status: criteria provided, single submitter. Criteria: ACMG Guidelines, 2015. Collection method: clinical testing. Allele origin: germline.

Blueprint Genetics
Classification: Likely benign. Last evaluated: 2024-04-02. Review status: criteria provided, single submitter. Criteria: ACMG Guidelines, 2015. Collection method: clinical testing. Allele origin: germline.

Sema4
Classification: Uncertain significance for Hereditary cancer-predisposing syndrome. Last evaluated: 2022-02-22. Review status: criteria provided, single submitter. Criteria: Sema4 Curation Guidelines. Collection method: curation. Allele origin: germline.
Comment: The MSH6 c.457+31T>G variant has not been reported in the literature to our knowledge. It was not observed in the large and broad cohorts of the Genome Aggregation Database (PMID: 32461654). This variant has not been reported in ClinVar. In silico tools that predict the effect of sequence changes are not available, and no functional studies have been performed. The evidence is insufficient to meet ACMG/AMP criteria for classifying the variant as benign or pathogenic.

PreventionGenetics, part of Exact Sciences
Classification: Likely benign for MSH6-related condition. Last evaluated: 2024-06-04. Review status: no assertion criteria provided. Collection method: clinical testing. Allele origin: germline. Not counted in ClinVar's aggregate classification.
Comment: This variant is classified as likely benign based on ACMG/AMP sequence variant interpretation guidelines (Richards et al. 2015 PMID: 25741868, with internal and published modifications).